The following is an entry in ClinVar:

NC_000006.11:g.(?_7582855)_(7586131_?)del

Gene: DSP (desmoplakin; plus strand). Cytogenetic location: 6p24.3.
Variant type: Deletion.
Identifiers: ClinVar variation 2425109 (VCV002425109.6).

ClinVar aggregate classification (germline): Pathogenic (1 of 4 stars; one submission).

Conditions:
Arrhythmogenic right ventricular dysplasia 8 (ARVD8). Also called: Arrhythmogenic Right Ventricular Dysplasia/Cardiomyopathy 8; ARRHYTHMOGENIC RIGHT VENTRICULAR DYSPLASIA, FAMILIAL, 8; ARRHYTHMOGENIC RIGHT VENTRICULAR CARDIOMYOPATHY 8. Identifiers: MedGen C1843896, MONDO:0011831, OMIM 607450.
Arrhythmogenic cardiomyopathy with wooly hair and keratoderma. Also called: Carvajal syndrome; PALMOPLANTAR KERATODERMA WITH LEFT VENTRICULAR CARDIOMYOPATHY AND WOOLLY HAIR; Dilated cardiomyopathy with woolly hair and keratoderma; Arrhythmogenic cardiomyopathy with woolly hair and keratoderma. Identifiers: Orphanet 65282, MedGen C1854063, MONDO:0011581, OMIM 605676.

Submission:

Labcorp Genetics (formerly Invitae), Labcorp
Classification: Pathogenic for Arrhythmogenic cardiomyopathy with wooly hair and keratoderma; Arrhythmogenic right ventricular dysplasia 8. Last evaluated: 2017-10-17. Review status: criteria provided, single submitter. Criteria: Invitae Variant Classification Sherloc (09022015). Collection method: clinical testing. Allele origin: germline.
Comment: This variant, c.5671_*1792delinsAGAGAAGAACAGTCTT, is a complex sequence change that results in the disruption of the last 981 amino acids of the DSP protein (p.Glu1891Argfs*17). This variant is not present in population databases (ExAC no frequency). This variant has not been reported in the literature in individuals with DSP-related disease. A different truncation downstream of this variant (c.7901delG) has been determined to be pathogenic (PMID: 11063735). This suggests that deletion of this region of the DSP protein is causative of disease. For these reasons, this variant has been classified as Pathogenic.

Literature cited by the submitters: PubMed 11063735.